The following is an entry in ClinVar:

ClinVar aggregate classification (germline): Pathogenic (1 of 4 stars; one submission).

Conditions:
Hereditary cancer-predisposing syndrome. Also called: Neoplastic Syndromes, Hereditary; Tumor predisposition; Hereditary Cancer Syndrome; Hereditary neoplastic syndrome. Identifiers: Orphanet 140162, MedGen C0027672, MeSH D009386, MONDO:0015356.

Submission:

Ambry Genetics
Classification: Pathogenic for Hereditary cancer-predisposing syndrome. Last evaluated: 2018-11-09. Review status: criteria provided, single submitter. Criteria: Ambry Variant Classification Scheme 2023. Collection method: clinical testing. Allele origin: germline.
Comment: The c.1711delC pathogenic mutation, located in coding exon 11 of the PMS2 gene, results from a deletion of one nucleotide at nucleotide position 1711, causing a translational frameshift with a predicted alternate stop codon (p.L571Sfs*24). This alteration is expected to result in loss of function by premature protein truncation or nonsense-mediated mRNA decay. As such, this alteration is interpreted as a disease-causing mutation.

NM_000535.7(PMS2):c.1711del (p.Leu571fs)

Gene: PMS2 (PMS1 homolog 2, mismatch repair system component; minus strand). Cytogenetic location: 7p22.1.
Variant type: Deletion.
Coding change: c.1711del on transcript NM_000535.7 (MANE Select); coding-DNA position 1711, one base deleted (C; older notation c.1711delC).
Protein change: p.Leu571fs; shifts the reading frame from leucine 571.
Molecular consequence: frameshift variant. On other transcripts: non-coding transcript variant (1).
Genome position (GRCh38, 1-based): chr7:5,987,054, G deleted on the plus strand (C on the coding strand, the reverse complement: PMS2 is on the minus strand). VCF-style (leftmost placement, unchanged base first): chr7-5987053-AG-A. GRCh37 (hg19) VCF-style: chr7-6026684-AG-A.
Other names: c.1306delC, p.Leu436Serfs (NM_001018040.1, NM_001406887.1, NM_001406888.1 and 13 more transcripts); c.1306del, p.Leu436fs (NM_001322003.2, NM_001322004.2, NM_001322005.2 and 1 more transcripts); c.1555del, p.Leu519fs (NM_001322006.2); c.1393del, p.Leu465fs (NM_001322007.2, NM_001322008.2); c.1150del, p.Leu384fs (NM_001322010.2); c.778del, p.Leu260fs (NM_001322011.2, NM_001322012.2); c.1138del, p.Leu380fs (NM_001322013.2); c.1711del, p.Leu571fs (NM_001322014.2); and 19 more; short protein forms L465fs, L380fs, L384fs, L260fs, L436fs, L468fs, L519fs, L571fs.
Identifiers: ClinVar variation 1778572 (VCV001778572.2), dbSNP rs2535745578, ClinGen allele CA2580076895.